The following is an entry in ClinVar:

NM_006734.4(HIVEP2):c.7160C>G (p.Pro2387Arg)

Gene: HIVEP2 (HIVEP zinc finger 2; minus strand). Cytogenetic location: 6q24.2.
Variant type: single nucleotide variant.
Coding change: c.7160C>G on transcript NM_006734.4 (MANE Select); coding-DNA position 7160, C replaced by G.
Protein change: p.Pro2387Arg; replaces proline 2387 with arginine.
Molecular consequence: missense variant.
Genome position (GRCh38, 1-based): chr6:142,753,288, G>C on the plus strand (C>G on the coding strand, the complement: HIVEP2 is on the minus strand). VCF-style: chr6-142753288-G-C. GRCh37 (hg19) VCF-style: chr6-143074425-G-C.
Other names: short protein forms P2387R.
Identifiers: ClinVar variation 2635028 (VCV002635028.5), dbSNP rs1774968270, ClinGen allele CA365940936.

ClinVar aggregate classification (germline): Conflicting classifications of pathogenicity. Review status: criteria provided, conflicting classifications (1 of 4 stars). 3 submissions from 3 submitters: Uncertain significance (1); Likely benign (2). Last evaluated 2026-07-01.

Conditions:
HIVEP2-related disorder. Also called: HIVEP2-related condition.

Allele frequency attached by ClinVar (database versions not stated): gnomAD exomes below 0.00001; gnomAD 0.00001; TOPMed 0.00002.
gnomAD v4.1: 5 of 1,614,052 alleles (0.00031%); highest among the groups gnomAD compares: Middle Eastern, 0.016%; no homozygotes.

Submissions (3):

CeGaT Center for Human Genetics Tuebingen
Classification: Likely benign. Last evaluated: 2026-07-01. Review status: criteria provided, single submitter. Criteria: CeGaT Center For Human Genetics Tuebingen Variant Classification Criteria Version 2. Collection method: clinical testing. Allele origin: germline. Affected: yes. Observed: 1 variant allele.
Comment: HIVEP2: BP4

Labcorp Genetics (formerly Invitae), Labcorp
Classification: Likely benign. Last evaluated: 2025-04-28. Review status: criteria provided, single submitter. Criteria: Invitae Variant Classification Sherloc (09022015). Collection method: clinical testing. Allele origin: germline.

PreventionGenetics, part of Exact Sciences
Classification: Uncertain significance for HIVEP2-related condition. Last evaluated: 2023-04-04. Review status: criteria provided, single submitter. Criteria: ACMG Guidelines, 2015. Collection method: clinical testing. Allele origin: germline.
Comment: The HIVEP2 c.7160C>G variant is predicted to result in the amino acid substitution p.Pro2387Arg. To our knowledge, this variant has not been reported in the literature or in a large population database, indicating this variant is rare. At this time, the clinical significance of this variant is uncertain due to the absence of conclusive functional and genetic evidence.